The following is an entry in ClinVar:

NM_178452.6(DNAAF1):c.1618G>C (p.Glu540Gln)

Gene: DNAAF1 (dynein axonemal assembly factor 1; plus strand). Cytogenetic location: 16q24.1.
Variant type: single nucleotide variant.
Coding change: c.1618G>C on transcript NM_178452.6 (MANE Select); coding-DNA position 1618, G replaced by C.
Protein change: p.Glu540Gln; replaces glutamic acid 540 with glutamine.
Molecular consequence: missense variant.
Genome position (GRCh38, 1-based): chr16:84,172,349, G>C. VCF-style: chr16-84172349-G-C. GRCh37 (hg19) VCF-style: chr16-84205955-G-C.
Other names: c.1618G>C (NM_178452.4); c.910G>C, p.Glu304Gln (NM_001318756.1); short protein forms E304Q, E540Q.
Identifiers: ClinVar variation 2136601 (VCV002136601.2), dbSNP rs752285725, ClinGen allele CA8202936.
Genomic context (GRCh38, chr16:84,172,349, plus strand): 5'-GGTGTATTCGTTACAGAACTTGATGGAACGAGAACGGAAGATTTAGAAACCATTAGACTG[G>C]AGACAAAGGAGACATTCTGCATTGATGTACATGAAGTATTTAATCTTGGAGATAAGTATC-3'
Protein context (NP_848547.4, residues 530-550): RTEDLETIRL[Glu540Gln]TKETFCIDDL

ClinVar aggregate classification (germline): Uncertain significance. Review status: criteria provided, multiple submitters, no conflicts (2 of 4 stars). 2 submissions from 2 submitters: Uncertain significance (2). Last evaluated 2024-11-12.

Conditions:
Primary ciliary dyskinesia. Also called: Ciliary dyskinesia. Identifiers: Orphanet 244, MedGen C0008780, MONDO:0016575, HP:0012265.

Allele frequency attached by ClinVar (database versions not stated): ExAC 0.00002; gnomAD 0.00003.
gnomAD v4.1: 20 of 1,614,000 alleles (0.0012%); highest among the groups gnomAD compares: Admixed American, 0.018%; no homozygotes.

Submissions (2):

Ambry Genetics
Classification: Uncertain significance for Primary ciliary dyskinesia. Last evaluated: 2024-11-12. Review status: criteria provided, single submitter. Criteria: Ambry Variant Classification Scheme 2023. Collection method: clinical testing. Allele origin: germline.
Comment: The p.E540Q variant (also known as c.1618G>C), located in coding exon 9 of the DNAAF1 gene, results from a G to C substitution at nucleotide position 1618. The glutamic acid at codon 540 is replaced by glutamine, an amino acid with highly similar properties. This amino acid position is conserved. In addition, this alteration is predicted to be tolerated by in silico analysis. Based on the available evidence, the clinical significance of this variant remains unclear.

Labcorp Genetics (formerly Invitae), Labcorp
Classification: Uncertain significance for Primary ciliary dyskinesia. Last evaluated: 2022-10-18. Review status: criteria provided, single submitter. Criteria: Invitae Variant Classification Sherloc (09022015). Collection method: clinical testing. Allele origin: germline.
Comment: This sequence change replaces glutamic acid, which is acidic and polar, with glutamine, which is neutral and polar, at codon 540 of the DNAAF1 protein (p.Glu540Gln). This variant is present in population databases (rs752285725, gnomAD 0.004%). This variant has not been reported in the literature in individuals affected with DNAAF1-related conditions. Algorithms developed to predict the effect of missense changes on protein structure and function are either unavailable or do not agree on the potential impact of this missense change (SIFT: "Deleterious"; PolyPhen-2: "Benign"; Align-GVGD: "Class C0"). In summary, the available evidence is currently insufficient to determine the role of this variant in disease. Therefore, it has been classified as a Variant of Uncertain Significance.